The following is an entry in ClinVar:

NM_014476.6(PDLIM3):c.794-9_794-6del

Gene: PDLIM3 (PDZ and LIM domain 3; minus strand). Cytogenetic location: 4q35.1.
Variant type: Deletion.
Coding change: c.794-9_794-6del on transcript NM_014476.6 (MANE Select); 9 bases into the intron before coding-DNA position 794 through 6 bases into the intron before coding-DNA position 794, 4 bases deleted (GTTT; older notation c.794-9_794-6delGTTT).
Molecular consequence: intron variant.
Genome position (GRCh38, 1-based): chr4:185,504,592-185,504,595, AAAC deleted on the plus strand (GTTT on the coding strand, the reverse complement: PDLIM3 is on the minus strand); deleting any 4 consecutive bases within chr4:185,504,592-185,504,598 gives the same sequence; the c. name uses the placement nearest the transcript's 3' end. VCF-style (leftmost placement, unchanged base first): chr4-185504591-AAAAC-A. GRCh37 (hg19) VCF-style: chr4-186425745-AAAAC-A.
Other names: c.293-9_293-6del (NM_001257963.2); c.530-9_530-6del (NM_001257962.2); c.650-9_650-6del (NM_001114107.5).
Identifiers: ClinVar variation 2945262 (VCV002945262.3), dbSNP rs2478321830, ClinGen allele CA2740090822.

ClinVar aggregate classification (germline): Uncertain significance (1 of 4 stars; one submission).

Conditions:
Primary dilated cardiomyopathy (DCM). Also called: Dilated Cardiomyopathy. Identifiers: Orphanet 217604, MedGen C0007193, MeSH D002311, MONDO:0005021, HP:0001644. Inheritance: Various modes of inheritance.
Hypertrophic cardiomyopathy. Also called: HYPERTROPHIC MYOCARDIOPATHY. Identifiers: Orphanet 217569, MedGen C0007194, MeSH D002312, MONDO:0005045, HP:0001639.

Submission:

Labcorp Genetics (formerly Invitae), Labcorp
Classification: Uncertain significance for Hypertrophic cardiomyopathy; Primary dilated cardiomyopathy. Last evaluated: 2025-02-06. Review status: criteria provided, single submitter. Criteria: Invitae Variant Classification Sherloc (09022015). Collection method: clinical testing. Allele origin: germline.
Comment: This sequence change falls in intron 6 of the PDLIM3 gene. It does not directly change the encoded amino acid sequence of the PDLIM3 protein. This variant is not present in population databases (gnomAD no frequency). This variant has not been reported in the literature in individuals affected with PDLIM3-related conditions. ClinVar contains an entry for this variant (Variation ID: 2945262). Algorithms developed to predict the effect of sequence changes on RNA splicing suggest that this variant may disrupt the consensus splice site. In summary, the available evidence is currently insufficient to determine the role of this variant in disease. Therefore, it has been classified as a Variant of Uncertain Significance.